The following is an entry in ClinVar:

ClinVar aggregate classification (germline): Benign. Review status: criteria provided, single submitter (1 of 4 stars). 2 submissions from 2 submitters: Benign (1). 1 of the submissions does not count toward it. Last evaluated 2025-03-23.

Conditions:
L1CAM-related disorder. Also called: L1CAM-related condition.
Spastic paraplegia. Identifiers: MedGen C0037772, HP:0001258.

Allele frequency attached by ClinVar (database versions not stated): ExAC 0.00001; gnomAD 0.00003; gnomAD exomes 0.00003; TOPMed 0.00007.
gnomAD v4.1: 36 of 1,206,545 alleles (0.003%); highest among the groups gnomAD compares: Non-Finnish European, 0.004%; no homozygotes.

Submissions (2):

Labcorp Genetics (formerly Invitae), Labcorp
Classification: Benign for Spastic paraplegia. Last evaluated: 2025-03-23. Review status: criteria provided, single submitter. Criteria: Invitae Variant Classification Sherloc (09022015). Collection method: clinical testing. Allele origin: germline.

PreventionGenetics, part of Exact Sciences
Classification: Likely benign for L1CAM-related condition. Last evaluated: 2022-12-20. Review status: no assertion criteria provided. Collection method: clinical testing. Allele origin: germline. Not counted in ClinVar's aggregate classification.
Comment: This variant is classified as likely benign based on ACMG/AMP sequence variant interpretation guidelines (Richards et al. 2015 PMID: 25741868, with internal and published modifications).

NM_001278116.2(L1CAM):c.108C>T (p.Val36=)

Gene: L1CAM (L1 cell adhesion molecule; minus strand). Cytogenetic location: Xq28.
Variant type: single nucleotide variant.
Coding change: c.108C>T on transcript NM_001278116.2 (MANE Select); coding-DNA position 108, C replaced by T.
Protein change: p.Val36=; no amino-acid change (valine 36 retained).
Molecular consequence: synonymous variant.
Genome position (GRCh38, 1-based): chrX:153,872,681, G>A on the plus strand (C>T on the coding strand, the complement: L1CAM is on the minus strand). VCF-style: chrX-153872681-G-A. GRCh37 (hg19) VCF-style: chrX-153138136-G-A.
Other names: c.108C>T (NM_000425.4); c.108C>T, p.Val36= (NM_000425.5, NM_024003.3); c.93C>T, p.Val31= (NM_001143963.2).
Identifiers: ClinVar variation 2713416 (VCV002713416.5), dbSNP rs782626083, ClinGen allele CA10554663.
Genomic context (GRCh38, chrX:153,872,681, plus strand): 5'-CTTGAGGCTGATGTCATCTGTGGGGAAGACAACCAGGCGCCGTGGAGACTGTTCCGTGAT[G>A]ACAGGTGGCTCCATCACTGAAGACAGGGTGGAGAGAGCGGTGGTGAGGGTGCTGCCTGGC-3'
Protein context (NP_001265045.1, residues 26-46): YEGHHVMEPP[Val36=]ITEQSPRRLV